The following is an entry in ClinVar:

ClinVar aggregate classification (germline): Pathogenic (1 of 4 stars; one submission).

Conditions:
Mucolipidosis type IV (ML4). Also called: ML IV. Identifiers: Orphanet 578, MedGen C0238286, MONDO:0009653, OMIM 252650.

Submission:

Myriad Genetics, Inc.
Classification: Pathogenic for Mucolipidosis type IV. Last evaluated: 2024-08-02. Review status: criteria provided, single submitter. Criteria: Myriad Autosomal Dominant, Autosomal Recessive and X-Linked Classification Criteria (2023). Collection method: clinical testing. Allele origin: unknown.
Comment: NM_020533.2(MCOLN1):c.283delG(E95Kfs*143) is expected to be pathogenic in the context of mucolipidosis IV. This variant is predicted to lead to an abnormal or absent protein product due to the creation of a premature termination codon in MCOLN1, a gene where loss-of-function variants are known to be pathogenic. Please note: this variant was assessed in the context of healthy population screening.

NM_020533.3(MCOLN1):c.283del (p.Glu95fs)

Gene: MCOLN1 (mucolipin TRP cation channel 1; plus strand). Cytogenetic location: 19p13.2.
Variant type: Deletion.
Coding change: c.283del on transcript NM_020533.3 (MANE Select); coding-DNA position 283, one base deleted (G; older notation c.283delG).
Protein change: p.Glu95fs; shifts the reading frame from glutamic acid 95.
Molecular consequence: frameshift variant.
Genome position (GRCh38, 1-based): chr19:7,526,484, G deleted; the last of 3 consecutive G bases (chr19:7,526,482-7,526,484); deleting any one gives the same sequence. VCF-style (leftmost placement, unchanged base first): chr19-7526481-CG-C. GRCh37 (hg19) VCF-style: chr19-7591367-CG-C.
Other names: short protein forms E95fs.
Identifiers: ClinVar variation 5013400 (VCV005013400.1).